The following is an entry in ClinVar:

ClinVar aggregate classification (germline): Uncertain significance. Review status: criteria provided, multiple submitters, no conflicts (2 of 4 stars). 2 submissions from 2 submitters: Uncertain significance (2). Last evaluated 2025-10-17.

Conditions:
NRP1-related disorder. Also called: NRP1-related condition.

gnomAD v4.1: 6 of 1,613,358 alleles (0.00037%); highest among the groups gnomAD compares: Non-Finnish European, 0.00051%; no homozygotes.

Submissions (2):

Ambry Genetics
Classification: Uncertain significance. Last evaluated: 2025-10-17. Review status: criteria provided, single submitter. Criteria: Ambry Variant Classification Scheme 2023. Collection method: clinical testing. Allele origin: germline.

PreventionGenetics, part of Exact Sciences
Classification: Uncertain significance for NRP1-related condition. Last evaluated: 2025-05-13. Review status: criteria provided, single submitter. Criteria: ACMG Guidelines, 2015. Collection method: clinical testing. Allele origin: germline.
Comment: The NRP1 c.1927T>G variant is predicted to result in the amino acid substitution p.Phe643Val. To our knowledge, this variant has not been reported in the literature. This variant is reported in 0.0018% of alleles in individuals of European (Non-Finnish) descent in gnomAD. At this time, the clinical significance of this variant is uncertain due to the absence of conclusive functional and genetic evidence.

NM_003873.7(NRP1):c.1927T>G (p.Phe643Val)

Gene: NRP1 (neuropilin 1; minus strand). Cytogenetic location: 10p11.22.
Variant type: single nucleotide variant.
Coding change: c.1927T>G on transcript NM_003873.7 (MANE Select); coding-DNA position 1927, T replaced by G.
Protein change: p.Phe643Val; replaces phenylalanine 643 with valine.
Molecular consequence: missense variant. On other transcripts: non-coding transcript variant (1).
Genome position (GRCh38, 1-based): chr10:33,192,416, A>C on the plus strand (T>G on the coding strand, the complement: NRP1 is on the minus strand). VCF-style: chr10-33192416-A-C. GRCh37 (hg19) VCF-style: chr10-33481344-A-C.
Other names: c.1906T>G, p.Phe636Val (NM_001244972.2, NM_001244973.2); c.1927T>G, p.Phe643Val (NM_001330068.2); short protein forms F643V, F636V.
Identifiers: ClinVar variation 4559231 (VCV004559231.2).